The following is an entry in ClinVar:

ClinVar aggregate classification (germline): Conflicting classifications of pathogenicity. Review status: criteria provided, conflicting classifications (1 of 4 stars). 2 submissions from 2 submitters: Pathogenic (1); Uncertain significance (1). Last evaluated 2024-11-27.

Conditions:
Sphingolipid activator protein 1 deficiency. Also called: Saposin B Deficiency; Metachromatic leukodystrophy due to saposin B deficiency; METACHROMATIC LEUKODYSTROPHY DUE TO CEREBROSIDE SULFATASE ACTIVATOR DEFICIENCY. Identifiers: Orphanet 512, MedGen C0268262, MONDO:0009590, OMIM 249900.
Neuromuscular disease. Also called: Neuromuscular disorder; Neuromyopathy. Identifiers: Orphanet 68381, MedGen C0027868, MeSH D009468, MONDO:0019056.

Submissions (2):

Broad Center for Mendelian Genomics, Broad Institute of MIT and Harvard
Classification: Uncertain significance for Neuromuscular disease. Last evaluated: 2024-11-27. Review status: criteria provided, single submitter. Criteria: ACMG Guidelines, 2015. Collection method: curation. Allele origin: germline. Inheritance: Autosomal recessive inheritance. Study: GREGoR Consortium.
Comment: While this gene is still lacking sufficient evidence, we believe this is a possible phenotypic expansion. Given the limited information about this gene-disease relationship, the significance of the p.Trp53Ter variant is uncertain. If you have any additional information about functional evidence or other individuals with this phenotype that also have variants in PSAP we encourage you to reach out to us.

Labcorp Genetics (formerly Invitae), Labcorp
Classification: Pathogenic for Sphingolipid activator protein 1 deficiency. Last evaluated: 2023-05-05. Review status: criteria provided, single submitter. Criteria: Invitae Variant Classification Sherloc (09022015). Collection method: clinical testing. Allele origin: germline.
Comment: For these reasons, this variant has been classified as Pathogenic. This variant has not been reported in the literature in individuals affected with PSAP-related conditions. This variant is not present in population databases (gnomAD no frequency). This sequence change creates a premature translational stop signal (p.Trp53*) in the PSAP gene. It is expected to result in an absent or disrupted protein product. Loss-of-function variants in PSAP are known to be pathogenic (PMID: 8554069, 11309366, 17616409, 19267410, 30632081).

Literature cited by the submitters: PubMed 8554069 (cited by Labcorp Genetics (formerly Invitae), Labcorp); PubMed 11309366 (cited by Labcorp Genetics (formerly Invitae), Labcorp); PubMed 17616409 (cited by Labcorp Genetics (formerly Invitae), Labcorp); PubMed 19267410 (cited by Labcorp Genetics (formerly Invitae), Labcorp); PubMed 30632081 (cited by Labcorp Genetics (formerly Invitae), Labcorp).

NM_002778.4(PSAP):c.158G>A (p.Trp53Ter)

Gene: PSAP (prosaposin; minus strand). Cytogenetic location: 10q22.1.
Variant type: single nucleotide variant.
Coding change: c.158G>A on transcript NM_002778.4 (MANE Select); coding-DNA position 158, G replaced by A.
Protein change: p.Trp53Ter; replaces tryptophan 53 with a stop codon.
Molecular consequence: nonsense.
Genome position (GRCh38, 1-based): chr10:71,834,388, C>T on the plus strand (G>A on the coding strand, the complement: PSAP is on the minus strand). VCF-style: chr10-71834388-C-T. GRCh37 (hg19) VCF-style: chr10-73594145-C-T.
Other names: NM_002778.4(PSAP):c.158G>A; p.Trp53Ter; c.158G>A, p.Trp53Ter (NM_001042465.3, NM_001042466.3); short protein forms W53*.
Identifiers: ClinVar variation 2821928 (VCV002821928.3), dbSNP rs2494541474, ClinGen allele CA377155775.
Genomic context (GRCh38, chr10:71,834,388, plus strand): 5'-CAAGAGGAGTGCTGCGGCTGGGACTGGAGGGCAGCGGCACTCACCACTGTTGGCTTGTTC[C>T]AAACGGTCTGCAGGCAGTGCTTCACTGCCCCGCAGTCGGACGCCGTCTTCACATTCTGGC-3'